The following is an entry in ClinVar:

NM_001003800.2(BICD2):c.2028_2031delinsTCTT (p.Ile676_Leu677=)

Gene: BICD2 (BICD cargo adaptor 2; minus strand). Cytogenetic location: 9q22.31.
Variant type: Indel.
Coding change: c.2028_2031delinsTCTT on transcript NM_001003800.2 (MANE Select); coding-DNA positions 2028 to 2031, CCTC replaced by TCTT.
Protein change: p.Ile676_Leu677=.
Molecular consequence: synonymous variant.
Genome position (GRCh38, 1-based): chr9:92,718,614-92,718,617, GAGG replaced by AAGA on the plus strand (CCTC replaced by TCTT on the coding strand, the reverse complement: BICD2 is on the minus strand). VCF-style: chr9-92718614-GAGG-AAGA. GRCh37 (hg19) VCF-style: chr9-95480896-GAGG-AAGA.
Other names: c.2028_2031delinsTCTT, p.Ile676_Leu677= (NM_015250.4).
Identifiers: ClinVar variation 3911962 (VCV003911962.2).

ClinVar aggregate classification (germline): Benign (1 of 4 stars; one submission).

Submission:

Women's Health and Genetics/Laboratory Corporation of America, LabCorp
Classification: Benign. Last evaluated: 2025-07-07. Review status: criteria provided, single submitter. Criteria: LabCorp Variant Classification Summary - May 2015. Collection method: clinical testing. Allele origin: germline.
Comment: Variant summary: BICD2 c.2028_2031delinsTCTT alters a conserved nucleotide resulting in a synonymous change. Consensus agreement among computation tools predict no significant impact on normal splicing. However, these predictions have yet to be confirmed by functional studies. The variant allele was found at a frequency of 8.7e-06 in 1613706 control chromosomes. The observed variant frequency is approximately 8.68 fold of the estimated maximal expected allele frequency for a pathogenic variant in BICD2 causing Autosomal dominant childhood-onset proximal spinal muscular atrophy with contractures phenotype (1e-06). To our knowledge, no occurrence of c.2028_2031delinsTCTT in individuals affected with Autosomal dominant childhood-onset proximal spinal muscular atrophy with contractures and no experimental evidence demonstrating its impact on protein function have been reported. No submitters have cited clinical-significance assessments for this variant to ClinVar. Based on the evidence outlined above, the variant was classified as benign.